The following is an entry in ClinVar:

NM_020987.5(ANK3):c.7545C>T (p.Leu2515=)

Gene: ANK3 (ankyrin 3; minus strand). Cytogenetic location: 10q21.2.
Variant type: single nucleotide variant.
Coding change: c.7545C>T on transcript NM_020987.5 (MANE Select); coding-DNA position 7545, C replaced by T.
Protein change: p.Leu2515=; no amino-acid change (leucine 2515 retained).
Molecular consequence: synonymous variant. On other transcripts: intron variant (4).
Genome position (GRCh38, 1-based): chr10:60,073,336, G>A on the plus strand (C>T on the coding strand, the complement: ANK3 is on the minus strand). VCF-style: chr10-60073336-G-A. GRCh37 (hg19) VCF-style: chr10-61833094-G-A.
Other names: c.4388-5327C>T (NM_001204403.2); c.4409-5327C>T (NM_001204404.2); c.4406-5327C>T (NM_001320874.2); c.1808-5327C>T (NM_001149.4).
Identifiers: ClinVar variation 4873957 (VCV004873957.2).

ClinVar aggregate classification (germline): Uncertain significance (1 of 4 stars; one submission).

gnomAD v4.1: 7 of 1,613,878 alleles (0.00043%); highest among the groups gnomAD compares: Middle Eastern, 0.016%; no homozygotes.

Submission:

CeGaT Center for Human Genetics Tuebingen
Classification: Uncertain significance. Last evaluated: 2026-04-01. Review status: criteria provided, single submitter. Criteria: CeGaT Center For Human Genetics Tuebingen Variant Classification Criteria Version 2. Collection method: clinical testing. Allele origin: germline. Affected: yes. Observed: 1 variant allele.
Comment: ANK3: PM2, BP4